The following is an entry in ClinVar:

NM_014484.5(MOCS3):c.11G>A (p.Arg4Gln)

Gene: MOCS3 (molybdenum cofactor synthesis 3; plus strand). Cytogenetic location: 20q13.13.
Variant type: single nucleotide variant.
Coding change: c.11G>A on transcript NM_014484.5 (MANE Select); coding-DNA position 11, G replaced by A.
Protein change: p.Arg4Gln; replaces arginine 4 with glutamine.
Molecular consequence: missense variant.
Genome position (GRCh38, 1-based): chr20:50,958,853, G>A. VCF-style: chr20-50958853-G-A. GRCh37 (hg19) VCF-style: chr20-49575390-G-A.
Other names: short protein forms R4Q.
Identifiers: ClinVar variation 2740148 (VCV002740148.3), dbSNP rs765058878, ClinGen allele CA9909326.

ClinVar aggregate classification (germline): Uncertain significance (1 of 4 stars; one submission).

Allele frequency attached by ClinVar (database versions not stated): ExAC 0.00001; TOPMed 0.00002.

Submission:

Labcorp Genetics (formerly Invitae), Labcorp
Classification: Uncertain significance. Last evaluated: 2024-03-26. Review status: criteria provided, single submitter. Criteria: Invitae Variant Classification Sherloc (09022015). Collection method: clinical testing. Allele origin: germline.
Comment: This sequence change replaces arginine, which is basic and polar, with glutamine, which is neutral and polar, at codon 4 of the MOCS3 protein (p.Arg4Gln). This variant is present in population databases (rs765058878, gnomAD 0.003%). This variant has not been reported in the literature in individuals affected with MOCS3-related conditions. Algorithms developed to predict the effect of missense changes on protein structure and function output the following: SIFT: "Not Available"; PolyPhen-2: "Benign"; Align-GVGD: "Not Available". The glutamine amino acid residue is found in multiple mammalian species, which suggests that this missense change does not adversely affect protein function. In summary, the available evidence is currently insufficient to determine the role of this variant in disease. Therefore, it has been classified as a Variant of Uncertain Significance.